The following is an entry in ClinVar:

ClinVar aggregate classification (germline): Conflicting classifications of pathogenicity. Review status: criteria provided, conflicting classifications (1 of 4 stars). 6 submissions from 6 submitters: Uncertain significance (4); Likely benign (1). 1 of the submissions does not count toward it. Last evaluated 2026-06-30.

Conditions:
MYO7A-related disorder. Also called: MYO7A-related disorders.
Usher syndrome type 1B (USH1B). Also called: Usher syndrome type IB. Identifiers: MedGen C1848638, MONDO:0700087.

Allele frequency attached by ClinVar (database versions not stated): gnomAD 0.00004; TOPMed 0.00009; ExAC 0.00018; gnomAD exomes 0.00020.
gnomAD v4.1: 70 of 1,613,844 alleles (0.0043%); highest among the groups gnomAD compares: Admixed American, 0.1%; no homozygotes.

Submissions (6):

PreventionGenetics, part of Exact Sciences
Classification: Uncertain significance for MYO7A-related condition. Last evaluated: 2026-06-30. Review status: criteria provided, single submitter. Criteria: ACMG Guidelines, 2015. Collection method: clinical testing. Allele origin: germline.
Comment: The MYO7A c.548C>T variant is predicted to result in the amino acid substitution p.Ser183Leu. This variant was reported in the heterozygous state in an individual with sensorineural hearing loss, although potentially causative variants in other genes were also identified (Supporting Tables, Florentine et al. 2022. PubMed ID: 34515852). This variant is reported in 0.14% of alleles in individuals of Latino descent in gnomAD, which may be too frequent to be a primary cause of disease. Although we suspect that this variant may be benign, at this time, the clinical significance of this variant is uncertain due to the absence of conclusive functional and genetic evidence.

Labcorp Genetics (formerly Invitae), Labcorp
Classification: Likely benign. Last evaluated: 2025-06-29. Review status: criteria provided, single submitter. Criteria: Invitae Variant Classification Sherloc (09022015). Collection method: clinical testing. Allele origin: germline.

GeneDx
Classification: Uncertain significance. Last evaluated: 2025-06-05. Review status: criteria provided, single submitter. Criteria: GeneDx Variant Classification Process June 2021. Collection method: clinical testing. Allele origin: germline. Affected: yes.
Comment: In silico analysis supports that this missense variant has a deleterious effect on protein structure/function; This variant is associated with the following publications: (PMID: 34515852, 40069133)

Blueprint Genetics
Classification: Uncertain significance. Last evaluated: 2023-08-30. Review status: criteria provided, single submitter. Criteria: ACMG Guidelines, 2015. Collection method: clinical testing. Allele origin: germline.

Laboratory for Molecular Medicine, Mass General Brigham Personalized Medicine
Classification: Uncertain significance. Last evaluated: 2019-08-27. Review status: criteria provided, single submitter. Criteria: LMM Criteria. Collection method: clinical testing. Allele origin: germline. Observed: 2 variant alleles.
Comment: The p.Ser183Leu variant in MYO7A has not been previously reported in individuals with Usher syndrome, but has been identified in 0.1% (49/35372) of Latino chromosomes by gnomAD. Computational prediction tools and conservation analysis suggest that this variant may impact the protein, though this information is not predictive enough to determine pathogenicity. In summary, the clinical significance of this variant is uncertain. ACMG/AMP Criteria applied: PP3, BS1_Supporting.

Natera, Inc.
Classification: Uncertain significance for Usher syndrome type 1B. Last evaluated: 2020-09-16. Review status: no assertion criteria provided. Collection method: clinical testing. Allele origin: germline. Not counted in ClinVar's aggregate classification.

NM_000260.4(MYO7A):c.548C>T (p.Ser183Leu)

Gene: MYO7A (myosin VIIA; plus strand). Cytogenetic location: 11q13.5.
Variant type: single nucleotide variant.
Coding change: c.548C>T on transcript NM_000260.4 (MANE Select); coding-DNA position 548, C replaced by T.
Protein change: p.Ser183Leu; replaces serine 183 with leucine.
Molecular consequence: missense variant.
Genome position (GRCh38, 1-based): chr11:77,156,737, C>T. VCF-style: chr11-77156737-C-T. GRCh37 (hg19) VCF-style: chr11-76867783-C-T.
Other names: c.548C>T, p.Ser183Leu (NM_001127180.2); c.515C>T, p.Ser172Leu (NM_001369365.1); short protein forms S172L, S183L.
Identifiers: ClinVar variation 861280 (VCV000861280.18), dbSNP rs781893704, ClinGen allele CA6197165.